The following is an entry in ClinVar:

ClinVar aggregate classification (germline): Pathogenic. Review status: criteria provided, single submitter (1 of 4 stars). 2 submissions from 2 submitters: Pathogenic (1). 1 of the submissions does not count toward it. Last evaluated 2022-02-15.

Conditions:
Congenital adrenal hypoplasia, X-linked (AHC). Also called: X-linked AHC; X-Linked Adrenal Hypoplasia Congenita; Isolated X-Linked Adrenal Hypoplasia Congenita; ADRENAL HYPOPLASIA, CONGENITAL, WITH HYPOGONADOTROPIC HYPOGONADISM. Identifiers: Orphanet 95702, MedGen C0342482, MONDO:0010264, OMIM 300200. Disease mechanism: loss of function.

Submissions (2):

GeneDx
Classification: Pathogenic. Last evaluated: 2022-02-15. Review status: criteria provided, single submitter. Criteria: GeneDx Variant Classification Process June 2021. Collection method: clinical testing. Allele origin: germline. Affected: yes.
Comment: Frameshift variant predicted to result in protein truncation or nonsense mediated decay in a gene for which loss-of-function is a known mechanism of disease; Not observed in large population cohorts (gnomAD); This variant is associated with the following publications: (PMID: 9360549)

OMIM
Classification: Pathogenic for ADRENAL HYPOPLASIA, CONGENITAL. Last evaluated: 1997-11-01. Review status: no assertion criteria provided. Collection method: literature only. Allele origin: germline. Not counted in ClinVar's aggregate classification.

Literature cited by the submitters: PubMed 9360549 (cited by OMIM).

NM_000475.5(NR0B1):c.155_156del (p.Glu52fs)

Gene: NR0B1 (nuclear receptor subfamily 0 group B member 1; minus strand). Cytogenetic location: Xp21.2.
Variant type: Microsatellite.
Coding change: c.155_156del on transcript NM_000475.5 (MANE Select); coding-DNA positions 155 to 156, 2 bases deleted (AG; older notation c.155_156delAG).
Protein change: p.Glu52fs; shifts the reading frame from glutamic acid 52.
Molecular consequence: frameshift variant.
Genome position (GRCh38, 1-based): chrX:30,309,208-30,309,209, CT deleted on the plus strand (AG on the coding strand, the reverse complement: NR0B1 is on the minus strand); deleting any 2 consecutive bases within chrX:30,309,208-30,309,213 gives the same sequence; the c. name uses the placement nearest the transcript's 3' end. VCF-style (leftmost placement, unchanged base first): chrX-30309207-CCT-C. GRCh37 (hg19) VCF-style: chrX-30327324-CCT-C.
Other names: short protein forms E52fs.
Identifiers: ClinVar variation 1342040 (VCV001342040.3), dbSNP rs2147007424, ClinGen allele CA2580616918.